The following is an entry in ClinVar:

NM_001267550.2(TTN):c.63601C>T (p.Arg21201Ter)

Genes: TTN-AS1 (TTN antisense RNA 1; plus strand), TTN (titin; minus strand). Cytogenetic location: 2q31.2.
Variant type: single nucleotide variant.
Coding change: c.63601C>T on transcript NM_001267550.2 (MANE Select); coding-DNA position 63601, C replaced by T.
Protein change: p.Arg21201Ter; replaces arginine 21201 with a stop codon.
Molecular consequence: nonsense.
Genome position (GRCh38, 1-based): chr2:178,587,708, G>A on the plus strand (C>T on the coding strand, the complement: TTN is on the minus strand). VCF-style: chr2-178587708-G-A. GRCh37 (hg19) VCF-style: chr2-179452435-G-A.
Other names: c.63601C>T (NM_001267550.1, LRG_391t1); c.58678C>T, p.Arg19560Ter (NM_001256850.1); c.36406C>T, p.Arg12136Ter (NM_003319.4); c.55897C>T, p.Arg18633Ter (NM_133378.4); c.36781C>T, p.Arg12261Ter (NM_133432.3); c.36982C>T, p.Arg12328Ter (NM_133437.4); short protein forms R21201*, R19560*, R12136*, R18633*, R12261*, R12328*.
Identifiers: ClinVar variation 223314 (VCV000223314.33), dbSNP rs764243269, ClinGen allele CA130338.
Genomic context (GRCh38, chr2:178,587,708, plus strand): 5'-GTCCTTTTCTGACCACATTATCAATGCCAACTTTTCGCCAAGTGACTTTAGGGGCTGGTC[G>A]TCCTCTCACTATAGCAAAGAGACGAATAGGGCATCCTGCTCTCACTATGACCAGTTTCCT-3'

ClinVar aggregate classification (germline): Pathogenic/Likely pathogenic. Review status: criteria provided, multiple submitters, no conflicts (2 of 4 stars). 12 submissions from 12 submitters: Pathogenic (5); Likely pathogenic (6). 1 of the submissions does not count toward it. Last evaluated 2026-08-28.

Conditions:
Cardiovascular phenotype. Identifiers: MedGen CN230736.
Dilated cardiomyopathy 1G (CMD1G). Identifiers: Orphanet 154, MedGen C1858763, MONDO:0011400, OMIM 604145.
Autosomal recessive limb-girdle muscular dystrophy type 2J (LGMDR10). Also called: Limb-girdle muscular dystrophy, type 2J; MUSCULAR DYSTROPHY, LIMB-GIRDLE, AUTOSOMAL RECESSIVE 10. Identifiers: Orphanet 140922, MedGen C1837342, MONDO:0012127, OMIM 608807.
Myopathy, myofibrillar, 9, with early respiratory failure (MFM9). Also called: MYOPATHY, PROXIMAL, WITH EARLY RESPIRATORY MUSCLE INVOLVEMENT; Hereditary myopathy with early respiratory failure; Myopathy, distal, with early respiratory failure, autosomal dominant; EDSTROM MYOPATHY. Identifiers: Orphanet 178464, Orphanet 34521, MedGen C1863599, MONDO:0011362, OMIM 603689.
Hypertrophic cardiomyopathy 9. Also called: Familial hypertrophic cardiomyopathy 9. Identifiers: MedGen C1861065, MONDO:0013412, OMIM 613765.
Early-onset myopathy with fatal cardiomyopathy (CMYO5). Also called: Salih Myopathy; CONGENITAL MYOPATHY 5 WITH CARDIOMYOPATHY. Identifiers: Orphanet 289377, MedGen C2673677, MONDO:0012714, OMIM 611705. Disease mechanism: loss of function.
Tibial muscular dystrophy (TMD). Also called: UDD MYOPATHY; Tibial muscular dystrophy, tardive; Udd Distal Myopathy – Tibial Muscular Dystrophy. Identifiers: Orphanet 609, MedGen C1838244, MONDO:0010870, OMIM 600334.
Cardiomyopathy (CMYO). Also called: Cardiomyopathies. Identifiers: Orphanet 167848, MedGen C0878544, MONDO:0004994, HP:0001638. Inheritance: Various modes of inheritance.
Primary dilated cardiomyopathy (DCM). Also called: Dilated Cardiomyopathy. Identifiers: Orphanet 217604, MedGen C0007193, MeSH D002311, MONDO:0005021, HP:0001644. Inheritance: Various modes of inheritance.
Left ventricular noncompaction cardiomyopathy. Also called: left ventricular non-compaction cardiomyopathy. Identifiers: MedGen C4021133, HP:0011664.

Allele frequency attached by ClinVar (database versions not stated): ExAC 0.00001.
gnomAD v4.1: 6 of 1,612,684 alleles (0.00037%); highest among the groups gnomAD compares: African/African-American, 0.0027%; no homozygotes.

Submissions (12):

Ambry Genetics
Classification: Pathogenic for Cardiovascular phenotype. Last evaluated: 2026-08-28. Review status: criteria provided, single submitter. Criteria: Ambry Variant Classification Scheme 2023. Collection method: clinical testing. Allele origin: germline.
Comment: The p.R12136* pathogenic mutation (also known as c.36406C>T), located in coding exon 133 of the TTN gene, results from a C to T substitution at nucleotide position 36406. This changes the amino acid from an arginine to a stop codon within coding exon 133. This exon is located in the A-band region of the N2-B isoform of the titin protein and is constitutively expressed in TTN transcripts (percent spliced in or PSI 100%). This variant was reported in individual(s) with features consistent with dilated cardiomyopathy (Herman DS et al. N Engl J Med, 2012 Feb;366:619-28; Roberts AM et al. Sci Transl Med, 2015 Jan;7:270ra6; Ware JS et al. N Engl J Med, 2016 Jan;374:233-41; Ambry internal data). This variant has also been detected in conjunction with TTN missense variant(s) in individual(s) with skeletal myopathy (Dai Y et al. Neuromuscul Disord, 2015 Aug;25:617-24). Note, this variant is also referred to as p.Arg19560X (c.58678C>T), p.R21201* (c.63601C>T), and 2:179452435G>A in the literature. This variant is expected to result in loss of function by premature protein truncation or nonsense-mediated mRNA decay. While truncating variants in TTN are present in 1-3% of the general population, truncating variants in the A-band are the most common cause of dilated cardiomyopathy (Herman DS et al. N. Engl. J. Med., 2012 Feb;366:619-28; Roberts AM et al. Sci Transl Med, 2015 Jan;7:270ra6). TTN truncating variants encoded in constitutive exons (PSI >90%) have been found to be significantly associated with DCM regardless of their position in titin (Schafer S et al. Nat. Genet., 2017 01;49:46-53; Akhtar MM et al. Circ Heart Fail, 2020 Oct;13:e006832; Massier M et al. Clin Genet, 2025 Jan). Based on the supporting evidence, this variant is interpreted as a disease-causing mutation.

Dasa
Classification: Pathogenic. Last evaluated: 2026-04-03. Review status: criteria provided, single submitter. Criteria: DASA Assertion Criteria. Collection method: clinical testing. Allele origin: germline.
Comment: NM_001267550.2(TTN):c.63601C>T (p.Arg21201*) introduces a premature termination codon predicted to result in loss of normal protein function. Loss-of-function is an established mechanism of disease for this gene. This variant has been observed in affected individuals with related phenotype in a genotype context consistent with recessive disease (PMID: 37345726). This variant has been reported in individuals with related phenotype (PMID: 37345726). The variant is present at low frequency in population datasets. Based on the available data, this variant is classified as pathogenic.

GeneDx
Classification: Pathogenic. Last evaluated: 2026-02-06. Review status: criteria provided, single submitter. Criteria: GeneDx Variant Classification Process June 2021. Collection method: clinical testing. Allele origin: germline. Affected: yes.
Comment: Nonsense variant predicted to result in protein truncation or nonsense mediated decay in a gene for which loss of function is a known mechanism of disease; Observed with a missense variant on the opposite allele (in trans) in patients with a congenital myopathy, including two individuals with childhood-onset cardiomyopathy (PMID: 37345726, 25987458, 33449170); Not observed at significant frequency in large population cohorts (gnomAD); This variant is associated with the following publications: (PMID: 24980681, 34540771, 25987458, 25589632, 22335739, 33874732, 33449170, 37345726, 26735901, 32778822, 34461741, 39844436, 39472908)

Labcorp Genetics (formerly Invitae), Labcorp
Classification: Pathogenic for Dilated cardiomyopathy 1G; Autosomal recessive limb-girdle muscular dystrophy type 2J. Last evaluated: 2025-11-12. Review status: criteria provided, single submitter. Criteria: Invitae Variant Classification Sherloc (09022015). Collection method: clinical testing. Allele origin: germline.
Comment: This sequence change creates a premature translational stop signal (p.Arg21201*) in the TTN gene. While this is not anticipated to result in nonsense mediated decay, it is expected to create a truncated TTN protein. This variant is present in population databases (rs764243269, gnomAD 0.004%). This premature translational stop signal has been observed in individuals with autosomal dominant and autosomal recessive TTN-related conditions (PMID: 22335739, 33449170, 33874732; internal data). This variant is also known as c.58678C>T (p.Arg19560X). ClinVar contains an entry for this variant (Variation ID: 223314). This variant is located in the A band of TTN (PMID: 25589632). Truncating variants in this region are significantly overrepresented in patients affected with dilated cardiomyopathy (PMID: 25589632). Truncating variants in this region have also been reported in individuals affected with autosomal recessive centronuclear myopathy (PMID: 23975875). For these reasons, this variant has been classified as Pathogenic.

Molecular Diagnostic Laboratory for Inherited Cardiovascular Disease, Montreal Heart Institute
Classification: Pathogenic for Cardiovascular phenotype. Last evaluated: 2023-04-25. Review status: criteria provided, single submitter. Criteria: ACMG Guidelines, 2015. Collection method: clinical testing. Allele origin: germline. Affected: yes.

Fulgent Genetics
Classification: Likely pathogenic for Tibial muscular dystrophy; Myopathy, myofibrillar, 9, with early respiratory failure; Dilated cardiomyopathy 1G; Autosomal recessive limb-girdle muscular dystrophy type 2J; Early-onset myopathy with fatal cardiomyopathy; Hypertrophic cardiomyopathy 9. Last evaluated: 2022-03-09. Review status: criteria provided, single submitter. Criteria: ACMG Guidelines, 2015. Collection method: clinical testing. Allele origin: unknown.

Revvity Omics, Revvity
Classification: Likely pathogenic. Last evaluated: 2021-02-03. Review status: criteria provided, single submitter. Criteria: ACMG Guidelines, 2015. Collection method: clinical testing. Allele origin: germline.

CHEO Genetics Diagnostic Laboratory, Children's Hospital of Eastern Ontario
Classification: Likely pathogenic for Cardiomyopathy. Last evaluated: 2021-01-15. Review status: criteria provided, single submitter. Criteria: ACMG Guidelines, 2015. Collection method: clinical testing. Allele origin: germline.

Stanford Center for Inherited Cardiovascular Disease, Stanford University
Classification: Likely pathogenic. Last evaluated: 2016-12-16. Review status: criteria provided, single submitter. Criteria: ACMG Guidelines, 2015. Collection method: provider interpretation. Allele origin: germline.

Cardiovascular Biomedical Research Unit, Royal Brompton & Harefield NHS Foundation Trust
Classification: Likely pathogenic for Primary dilated cardiomyopathy. Last evaluated: 2014-10-08. Review status: criteria provided, single submitter. Criteria: Roberts et al. 2015. Collection method: research. Allele origin: germline. Inheritance: Autosomal dominant inheritance. Affected: yes. Observed: 1 variant allele. Study: Endstage DCM.
Comment: In the seven cohorts assessed, TTNtv were found in 14% of ambulant DCM, 22% end-stage or familial DCM, and 2% controls. Heterozygous nonsense, frameshift and canonical splice-disrupting variants found in constitutive and other highly utilised exons are highly likely to be pathogenic when identified in individuals with phenotypically confirmed DCM. TTNtv found incidentally in healthy individuals (excluding familial assessment of DCM relatives) are thought to have low penetrance, particularly when identified in exons that are not constitutively expressed in the heart.

Klaassen Lab, Charite University Medicine Berlin
Classification: Likely pathogenic for Left ventricular noncompaction cardiomyopathy. Review status: criteria provided, single submitter. Criteria: ACMG Guidelines, 2015. Collection method: research. Allele origin: germline. Affected: yes.

Cardiogenetics and Myogenetics Molecular and Cellular Functional Unit, Aphp Sorbonne University-Hopital Pitie Salpetriere
Classification: Likely pathogenic for Dilated cardiomyopathy 1G. Last evaluated: 2024-01-06. Review status: no assertion criteria provided. Collection method: clinical testing. Allele origin: germline. Affected: yes. Not counted in ClinVar's aggregate classification.

Literature cited by the submitters: PubMed 22335739 (cited by Ambry Genetics and Labcorp Genetics (formerly Invitae), Labcorp); PubMed 25589632 (cited by Ambry Genetics and Labcorp Genetics (formerly Invitae), Labcorp); PubMed 25987458 (cited by Ambry Genetics); PubMed 26735901 (cited by Ambry Genetics); PubMed 33449170 (cited by Ambry Genetics and Labcorp Genetics (formerly Invitae), Labcorp); PubMed 34540771 (cited by Ambry Genetics and Klaassen Lab, Charite University Medicine Berlin); PubMed 37345726 (cited by Dasa); PubMed 33874732 (cited by Labcorp Genetics (formerly Invitae), Labcorp); PubMed 23975875 (cited by Labcorp Genetics (formerly Invitae), Labcorp).